The following is an entry in ClinVar:

ClinVar aggregate classification (germline): Uncertain significance (1 of 4 stars; one submission).

gnomAD v4.1: 6 of 1,614,094 alleles (0.00037%); highest among the groups gnomAD compares: African/African-American, 0.0053%; no homozygotes.

Submission:

Women's Health and Genetics/Laboratory Corporation of America, LabCorp
Classification: Uncertain significance. Last evaluated: 2026-01-19. Review status: criteria provided, single submitter. Criteria: LabCorp Variant Classification Summary - May 2015. Collection method: clinical testing. Allele origin: germline.
Comment: Variant summary: FAT2 c.10052C>T (p.Pro3351Leu) results in a non-conservative amino acid change in the encoded protein sequence. Algorithms developed to predict the effect of missense changes on protein structure and function are either unavailable or do not agree on the potential impact of this missense change. The variant allele was found at a frequency of 4e-06 in 250832 control chromosomes. The available data on variant occurrences in the general population are insufficient to allow any conclusion about variant significance. To our knowledge, no occurrence of c.10052C>T in individuals affected with FAT2-related conditions and no experimental evidence demonstrating its impact on protein function have been reported. No submitters have cited clinical-significance assessments for this variant to ClinVar. Based on the evidence outlined above, the variant was classified as uncertain significance.

NM_001447.3(FAT2):c.10052C>T (p.Pro3351Leu)

Genes: FAT2 (FAT atypical cadherin 2; minus strand), SLC36A1 (solute carrier family 36 member 1; plus strand). Cytogenetic location: 5q33.1.
Variant type: single nucleotide variant.
Coding change: c.10052C>T on transcript NM_001447.3 (MANE Select); coding-DNA position 10052, C replaced by T.
Protein change: p.Pro3351Leu; replaces proline 3351 with leucine.
Molecular consequence: missense variant.
Genome position (GRCh38, 1-based): chr5:151,528,108, G>A on the plus strand (C>T on the coding strand, the complement: FAT2 is on the minus strand). VCF-style: chr5-151528108-G-A. GRCh37 (hg19) VCF-style: chr5-150907669-G-A.
Other names: short protein forms P3351L.
Identifiers: ClinVar variation 4689270 (VCV004689270.1).
Genomic context (GRCh38, chr5:151,528,108, plus strand): 5'-ATGGTGAAGTGCCCAAGCTGGTTCCCTCCTATGAGGCTATAGGTAATGTCACTATTTAGG[G>A]GTCCATCTTCATCAGTCGCTGATACCTGCGGTGGGGTAGGGGGATTGTGAATGGAGGGAC-3'
Protein context (NP_001438.1, residues 3341-3361): LTVSATDEDG[Pro3351Leu]LNSDITYSLI